The following is an entry in ClinVar:

ClinVar aggregate classification (germline): Likely benign. Review status: criteria provided, single submitter (1 of 4 stars). 2 submissions from 2 submitters: Likely benign (1). 1 of the submissions does not count toward it. Last evaluated 2025-10-15.

Conditions:
PODXL-related disorder. Also called: PODXL-related condition.

Allele frequency attached by ClinVar (database versions not stated): gnomAD exomes 0.00004; 1000 Genomes Project 30x 0.00031; 1000 Genomes Project 0.00040; TOPMed 0.00003; ExAC 0.00004; gnomAD 0.00005.
gnomAD v4.1: 62 of 1,532,514 alleles (0.004%); highest among the groups gnomAD compares: South Asian, 0.05%; no homozygotes.

Submissions (2):

Labcorp Genetics (formerly Invitae), Labcorp
Classification: Likely benign. Last evaluated: 2025-10-15. Review status: criteria provided, single submitter. Criteria: Invitae Variant Classification Sherloc (09022015). Collection method: clinical testing. Allele origin: germline.

PreventionGenetics, part of Exact Sciences
Classification: Likely benign for PODXL-related condition. Last evaluated: 2019-06-24. Review status: no assertion criteria provided. Collection method: clinical testing. Allele origin: germline. Not counted in ClinVar's aggregate classification.
Comment: This variant is classified as likely benign based on ACMG/AMP sequence variant interpretation guidelines (Richards et al. 2015 PMID: 25741868, with internal and published modifications).

NM_001018111.3(PODXL):c.804G>A (p.Ala268=)

Gene: PODXL (podocalyxin like; minus strand). Cytogenetic location: 7q32.3.
Variant type: single nucleotide variant.
Coding change: c.804G>A on transcript NM_001018111.3 (MANE Select); coding-DNA position 804, G replaced by A.
Protein change: p.Ala268=; no amino-acid change (alanine 268 retained).
Molecular consequence: synonymous variant.
Genome position (GRCh38, 1-based): chr7:131,509,584, C>T on the plus strand (G>A on the coding strand, the complement: PODXL is on the minus strand). VCF-style: chr7-131509584-C-T. GRCh37 (hg19) VCF-style: chr7-131194343-C-T.
Other names: c.708G>A, p.Pro236= (NM_005397.4).
Identifiers: ClinVar variation 3042416 (VCV003042416.4), dbSNP rs528772547, ClinGen allele CA4488613.